The following is an entry in ClinVar:

NM_153209.4(KIF19):c.2559C>G (p.Ala853=)

Gene: KIF19 (kinesin family member 19; plus strand). Cytogenetic location: 17q25.1.
Variant type: single nucleotide variant.
Coding change: c.2559C>G on transcript NM_153209.4 (MANE Select); coding-DNA position 2559, C replaced by G.
Protein change: p.Ala853=; no amino-acid change (alanine 853 retained).
Molecular consequence: synonymous variant.
Genome position (GRCh38, 1-based): chr17:74,354,412, C>G. VCF-style: chr17-74354412-C-G. GRCh37 (hg19) VCF-style: chr17-72350551-C-G.
Identifiers: ClinVar variation 4873842 (VCV004873842.2).

ClinVar aggregate classification (germline): Likely benign (1 of 4 stars; one submission).

Submission:

CeGaT Center for Human Genetics Tuebingen
Classification: Likely benign. Last evaluated: 2026-05-01. Review status: criteria provided, single submitter. Criteria: CeGaT Center For Human Genetics Tuebingen Variant Classification Criteria Version 2. Collection method: clinical testing. Allele origin: germline. Affected: yes. Observed: 1 variant allele.
Comment: KIF19: PM2:Supporting, BP4, BP7